The following is an entry in ClinVar:

ClinVar aggregate classification (germline): Uncertain significance. Review status: criteria provided, multiple submitters, no conflicts (2 of 4 stars). 2 submissions from 2 submitters: Uncertain significance (2). Last evaluated 2021-08-28.

Conditions:
Neuronal ceroid lipofuscinosis 1 (CLN1). Also called: PPT1-Related Neuronal Ceroid-Lipofuscinosis; CEROID LIPOFUSCINOSIS, NEURONAL, 1, VARIABLE AGE AT ONSET. Identifiers: Orphanet 228329, MedGen C1850451, MONDO:0009744, OMIM 256730.

Allele frequency attached by ClinVar (database versions not stated): TOPMed below 0.00001; ExAC 0.00001; gnomAD exomes 0.00001.
gnomAD v4.1: 8 of 1,613,984 alleles (0.0005%); highest among the groups gnomAD compares: Admixed American, 0.0033%; no homozygotes.

Submissions (2):

Labcorp Genetics (formerly Invitae), Labcorp
Classification: Uncertain significance for Neuronal ceroid lipofuscinosis 1. Last evaluated: 2021-08-28. Review status: criteria provided, single submitter. Criteria: Invitae Variant Classification Sherloc (09022015). Collection method: clinical testing. Allele origin: germline.
Comment: This sequence change replaces arginine with glutamine at codon 151 of the PPT1 protein (p.Arg151Gln). The arginine residue is moderately conserved and there is a small physicochemical difference between arginine and glutamine. This variant is present in population databases (rs779343776, ExAC 0.001%). This variant has not been reported in the literature in individuals affected with PPT1-related conditions. Algorithms developed to predict the effect of missense changes on protein structure and function (SIFT, PolyPhen-2, Align-GVGD) all suggest that this variant is likely to be tolerated. In summary, the available evidence is currently insufficient to determine the role of this variant in disease. Therefore, it has been classified as a Variant of Uncertain Significance.

GeneDx
Classification: Uncertain significance. Last evaluated: 2020-02-05. Review status: criteria provided, single submitter. Criteria: GeneDx Variant Classification Process June 2021. Collection method: clinical testing. Allele origin: germline. Affected: yes.
Comment: Not observed at a significant frequency in large population cohorts (Lek et al., 2016); In silico analysis supports that this missense variant does not alter protein structure/function; Has not been previously published as pathogenic or benign to our knowledge

NM_000310.4(PPT1):c.452G>A (p.Arg151Gln)

Gene: PPT1 (palmitoyl-protein thioesterase 1; minus strand). Cytogenetic location: 1p34.2.
Variant type: single nucleotide variant.
Coding change: c.452G>A on transcript NM_000310.4 (MANE Select); coding-DNA position 452, G replaced by A.
Protein change: p.Arg151Gln; replaces arginine 151 with glutamine.
Molecular consequence: missense variant.
Genome position (GRCh38, 1-based): chr1:40,089,494, C>T on the plus strand (G>A on the coding strand, the complement: PPT1 is on the minus strand). VCF-style: chr1-40089494-C-T. GRCh37 (hg19) VCF-style: chr1-40555166-C-T.
Other names: c.143G>A, p.Arg48Gln (NM_001142604.2); c.452G>A, p.Arg151Gln (NM_001363695.2); short protein forms R151Q, R48Q.
Identifiers: ClinVar variation 955331 (VCV000955331.9), dbSNP rs779343776, ClinGen allele CA789685.